The following is an entry in ClinVar:

ClinVar aggregate classification (germline): Likely pathogenic (0 of 4 stars; one submission).

Conditions:
Autosomal recessive nonsyndromic hearing loss 104. Also called: Deafness, autosomal recessive 104. Identifiers: Orphanet 90636, MedGen C4225298, MONDO:0014675, OMIM 616515.

Allele frequency attached by ClinVar (database versions not stated): gnomAD exomes below 0.00001; gnomAD 0.00001.
gnomAD v4.1: 4 of 1,613,836 alleles (0.00025%); highest among the groups gnomAD compares: Non-Finnish European, 0.00025%; no homozygotes.

Submission:

Federation de Genetique et Medecine Genomique, Hopital Necker
Classification: Likely pathogenic for Autosomal recessive nonsyndromic hearing loss 104. Review status: no assertion criteria provided. Collection method: clinical testing. Allele origin: biparental. Inheritance: Autosomal recessive inheritance. Affected: yes. Observed: 1 homozygote.
Comment: This homozygous nonsense variation c.1561C>T (p.R521*) in RIPOR2 has been identified by whole exome sequencing in 3 siblings suffering from congenital bilateral severe to profound hearing loss associated with vestibular dysfunction.

NM_001286445.3(RIPOR2):c.1498C>T (p.Arg500Ter)

Gene: RIPOR2 (RHO family interacting cell polarization regulator 2; minus strand). Cytogenetic location: 6p22.3.
Variant type: single nucleotide variant.
Coding change: c.1498C>T on transcript NM_001286445.3 (MANE Select); coding-DNA position 1498, C replaced by T.
Protein change: p.Arg500Ter; replaces arginine 500 with a stop codon.
Molecular consequence: nonsense.
Genome position (GRCh38, 1-based): chr6:24,843,221, G>A on the plus strand (C>T on the coding strand, the complement: RIPOR2 is on the minus strand). VCF-style: chr6-24843221-G-A. GRCh37 (hg19) VCF-style: chr6-24843449-G-A.
Other names: c.1513C>T, p.Arg505Ter (NM_001286446.3); c.1411C>T, p.Arg471Ter (NM_001286447.2, NM_001346031.2, NM_001346032.2 and 1 more transcripts); c.1561C>T, p.Arg521Ter (NM_014722.5); short protein forms R471*, R500*, R505*, R521*.
Identifiers: ClinVar variation 2498247 (VCV002498247.2), dbSNP rs1389784921, ClinGen allele CA362994170.